The following is an entry in ClinVar:

ClinVar aggregate classification (germline): Pathogenic (1 of 4 stars; one submission).

Submission:

Labcorp Genetics (formerly Invitae), Labcorp
Classification: Pathogenic. Last evaluated: 2023-04-12. Review status: criteria provided, single submitter. Criteria: Invitae Variant Classification Sherloc (09022015). Collection method: clinical testing. Allele origin: germline.
Comment: For these reasons, this variant has been classified as Pathogenic. This variant has not been reported in the literature in individuals affected with USH2A-related conditions. Information on the frequency of this variant in the gnomAD database is not available, as this variant may be reported differently in the database. This sequence change creates a premature translational stop signal (p.Gln492*) in the USH2A gene. It is expected to result in an absent or disrupted protein product. Loss-of-function variants in USH2A are known to be pathogenic (PMID: 10729113, 10909849, 20507924, 25649381).

Literature cited by the submitters: PubMed 10729113; PubMed 10909849; PubMed 20507924; PubMed 25649381.

NM_206933.4(USH2A):c.1473_1474delinsTT (p.Gln492Ter)

Gene: USH2A (usherin; minus strand). Cytogenetic location: 1q41.
Variant type: Indel.
Coding change: c.1473_1474delinsTT on transcript NM_206933.4 (MANE Select); coding-DNA positions 1473 to 1474, GC replaced by TT.
Protein change: p.Gln492Ter; replaces glutamine 492 with a stop codon.
Molecular consequence: nonsense.
Genome position (GRCh38, 1-based): chr1:216,323,550-216,323,551, GC replaced by AA on the plus strand (GC replaced by TT on the coding strand, the reverse complement: USH2A is on the minus strand). VCF-style: chr1-216323550-GC-AA. GRCh37 (hg19) VCF-style: chr1-216496892-GC-AA.
Other names: c.1473_1474delinsTT, p.Gln492Ter (NM_007123.6); short protein forms Q492*.
Identifiers: ClinVar variation 2852309 (VCV002852309.3), dbSNP rs2527433777, ClinGen allele CA2739275695.
Genomic context (GRCh38, chr1:216,323,550, plus strand): 5'-TTTCGTCCACTGCATAATATCTGTGTCTGAGGTTAACAGCAGTCTCAGTTGTATAGTACT[GC>AA]CCATGAAAATGAAACCTTATTTGCGTGGCTTTTACGAACTCTTGAAGAGATGGGGTATTA-3'